The following is an entry in ClinVar:

ClinVar aggregate classification (germline): Uncertain significance. Review status: criteria provided, multiple submitters, no conflicts (2 of 4 stars). 3 submissions from 3 submitters: Uncertain significance (3). Last evaluated 2024-12-23.

Conditions:
Inborn genetic diseases. Identifiers: MedGen C0950123, MeSH D030342.

Allele frequency attached by ClinVar (database versions not stated): gnomAD exomes below 0.00001; gnomAD 0.00001; TOPMed 0.00001.
gnomAD v4.1: 5 of 1,219,984 alleles (0.00041%); highest among the groups gnomAD compares: African/African-American, 0.0049%; no homozygotes.

Submissions (3):

Ambry Genetics
Classification: Uncertain significance for Inborn genetic diseases. Last evaluated: 2024-12-23. Review status: criteria provided, single submitter. Criteria: Ambry Variant Classification Scheme 2023. Collection method: clinical testing. Allele origin: germline.

Greenwood Genetic Center Diagnostic Laboratories, Greenwood Genetic Center
Classification: Uncertain significance. Last evaluated: 2022-09-22. Review status: criteria provided, single submitter. Criteria: ACMG Guidelines, 2015. Collection method: clinical testing. Allele origin: germline. Affected: yes.
Comment: PM2

Labcorp Genetics (formerly Invitae), Labcorp
Classification: Uncertain significance. Last evaluated: 2022-08-11. Review status: criteria provided, single submitter. Criteria: Invitae Variant Classification Sherloc (09022015). Collection method: clinical testing. Allele origin: germline.
Comment: In summary, the available evidence is currently insufficient to determine the role of this variant in disease. Therefore, it has been classified as a Variant of Uncertain Significance. Algorithms developed to predict the effect of sequence changes on RNA splicing suggest that this variant may create or strengthen a splice site. Algorithms developed to predict the effect of missense changes on protein structure and function are either unavailable or do not agree on the potential impact of this missense change (SIFT: "Deleterious"; PolyPhen-2: "Benign"; Align-GVGD: "Class C0"). ClinVar contains an entry for this variant (Variation ID: 1409207). This variant has not been reported in the literature in individuals affected with DEAF1-related conditions. This variant is not present in population databases (gnomAD no frequency). This sequence change replaces alanine, which is neutral and non-polar, with valine, which is neutral and non-polar, at codon 16 of the DEAF1 protein (p.Ala16Val).

NM_021008.4(DEAF1):c.47C>T (p.Ala16Val)

Gene: DEAF1 (DEAF1 transcription factor; minus strand). Cytogenetic location: 11p15.5.
Variant type: single nucleotide variant.
Coding change: c.47C>T on transcript NM_021008.4 (MANE Select); coding-DNA position 47, C replaced by T.
Protein change: p.Ala16Val; replaces alanine 16 with valine.
Molecular consequence: missense variant. On other transcripts: intron variant (1).
Genome position (GRCh38, 1-based): chr11:695,001, G>A on the plus strand (C>T on the coding strand, the complement: DEAF1 is on the minus strand). VCF-style: chr11-695001-G-A. GRCh37 (hg19) VCF-style: chr11-695001-G-A.
Other names: c.47C>T, p.Ala16Val (NM_001293634.2); c.-437-3403C>T (NM_001367390.1); short protein forms A16V.
Identifiers: ClinVar variation 1409207 (VCV001409207.9), dbSNP rs1180174990, ClinGen allele CA378940508.